The following is an entry in ClinVar:

NM_017952.6(PTCD3):c.478C>T (p.Arg160Ter)

Gene: PTCD3 (pentatricopeptide repeat domain 3; plus strand). Cytogenetic location: 2p11.2.
Variant type: single nucleotide variant.
Coding change: c.478C>T on transcript NM_017952.6 (MANE Select); coding-DNA position 478, C replaced by T.
Protein change: p.Arg160Ter; replaces arginine 160 with a stop codon.
Molecular consequence: nonsense.
Genome position (GRCh38, 1-based): chr2:86,118,984, C>T. VCF-style: chr2-86118984-C-T. GRCh37 (hg19) VCF-style: chr2-86346107-C-T.
Other names: short protein forms R160*.
Identifiers: ClinVar variation 4978460 (VCV004978460.1).
Genomic context (GRCh38, chr2:86,118,984, plus strand): 5'-TTAATGCCTGAGTACTTTGAACCTCAGATCAAAGACATAAGTGAAGCCGCCCTGAAGGAA[C>T]GAATTGAGCTCAGAAAAGTCAAAGCCTCTGTGGACATGTTTGATCAGCTTTTGCAAGCAG-3'

ClinVar aggregate classification (germline): Likely pathogenic (1 of 4 stars; one submission).

Conditions:
PTCD3-related disorder. Also called: PTCD3-related condition.

gnomAD v4.1: 11 of 1,613,886 alleles (0.00068%); highest among the groups gnomAD compares: South Asian, 0.0022%; no homozygotes.

Submission:

PreventionGenetics, part of Exact Sciences
Classification: Likely pathogenic for PTCD3-related condition. Last evaluated: 2026-02-09. Review status: criteria provided, single submitter. Criteria: ACMG Guidelines, 2015. Collection method: clinical testing. Allele origin: germline.
Comment: The PTCD3 c.478C>T variant is predicted to result in premature protein termination (p.Arg160*). To our knowledge, this variant has not been reported in the literature. This variant is reported in 0.0033% of alleles in individuals of South Asian descent in gnomAD. Nonsense variants in PTCD3 are expected to be pathogenic. This variant is interpreted as likely pathogenic.